The following is an entry in ClinVar:

ClinVar aggregate classification (germline): Uncertain significance (1 of 4 stars; one submission).

Conditions:
Cardiovascular phenotype. Identifiers: MedGen CN230736.

Allele frequency attached by ClinVar (database versions not stated): gnomAD exomes below 0.00001.
gnomAD v4.1: 1 of 1,614,198 alleles (0.000062%); highest among the groups gnomAD compares: African/African-American, 0.0013%; no homozygotes.

Submission:

Ambry Genetics
Classification: Uncertain significance for Cardiovascular phenotype. Last evaluated: 2022-11-20. Review status: criteria provided, single submitter. Criteria: Ambry Variant Classification Scheme 2023. Collection method: clinical testing. Allele origin: germline.
Comment: The p.N1610S variant (also known as c.4829A>G), located in coding exon 35 of the ABCA1 gene, results from an A to G substitution at nucleotide position 4829. The asparagine at codon 1610 is replaced by serine, an amino acid with highly similar properties. This amino acid position is conserved. In addition, the in silico prediction for this alteration is inconclusive. Since supporting evidence is limited at this time, the clinical significance of this alteration remains unclear.

NM_005502.4(ABCA1):c.4829A>G (p.Asn1610Ser)

Gene: ABCA1 (ATP binding cassette subfamily A member 1; minus strand). Cytogenetic location: 9q31.1.
Variant type: single nucleotide variant.
Coding change: c.4829A>G on transcript NM_005502.4 (MANE Select); coding-DNA position 4829, A replaced by G.
Protein change: p.Asn1610Ser; replaces asparagine 1610 with serine.
Molecular consequence: missense variant.
Genome position (GRCh38, 1-based): chr9:104,799,933, T>C on the plus strand (A>G on the coding strand, the complement: ABCA1 is on the minus strand). VCF-style: chr9-104799933-T-C. GRCh37 (hg19) VCF-style: chr9-107562214-T-C.
Other names: short protein forms N1610S.
Identifiers: ClinVar variation 2454035 (VCV002454035.2), dbSNP rs2538074103, ClinGen allele CA374314558.